The following is an entry in ClinVar:

NM_172107.4(KCNQ2):c.1764-1G>A

Gene: KCNQ2 (potassium voltage-gated channel subfamily Q member 2; minus strand). Cytogenetic location: 20q13.33.
Variant type: single nucleotide variant.
Coding change: c.1764-1G>A on transcript NM_172107.4 (MANE Select); the canonical splice acceptor site of the intron before coding-DNA position 1764, G replaced by A.
Molecular consequence: splice acceptor variant.
Genome position (GRCh38, 1-based): chr20:63,408,537, C>T on the plus strand (G>A on the coding strand, the complement: KCNQ2 is on the minus strand). VCF-style: chr20-63408537-C-T. GRCh37 (hg19) VCF-style: chr20-62039890-C-T.
Other names: c.1680-1G>A (NM_004518.6); c.1671-1G>A (NM_172108.5); c.1710-1G>A (NM_172106.3); c.1818-1G>A (NM_001382235.1).
Identifiers: ClinVar variation 2012199 (VCV002012199.4), dbSNP rs796052649, ClinGen allele CA409640549.

ClinVar aggregate classification (germline): Likely pathogenic (1 of 4 stars; one submission).

Conditions:
Early-infantile DEE. Also called: Early infantile epileptic encephalopathy; Ohtahara syndrome; Early infantile epileptic encephalopathy with suppression bursts. Identifiers: Orphanet 1934, MedGen C0393706, MONDO:0800491.

Submission:

Labcorp Genetics (formerly Invitae), Labcorp
Classification: Likely pathogenic for Early-infantile DEE. Last evaluated: 2022-06-29. Review status: criteria provided, single submitter. Criteria: Invitae Variant Classification Sherloc (09022015). Collection method: clinical testing. Allele origin: germline.
Comment: This variant is not present in population databases (gnomAD no frequency). This sequence change affects an acceptor splice site in intron 15 of the KCNQ2 gene. It is expected to disrupt RNA splicing. Variants that disrupt the donor or acceptor splice site typically lead to a loss of protein function (PMID: 16199547), and loss-of-function variants in KCNQ2 are known to be pathogenic (PMID: 14534157, 23692823, 27779742). Algorithms developed to predict the effect of sequence changes on RNA splicing suggest that this variant may disrupt the consensus splice site. In summary, the currently available evidence indicates that the variant is pathogenic, but additional data are needed to prove that conclusively. Therefore, this variant has been classified as Likely Pathogenic. Disruption of this splice site has been observed in individual(s) with KCNQ2-related conditions (PMID: 29655203).

Literature cited by the submitters: PubMed 16199547; PubMed 14534157; PubMed 23692823; PubMed 27779742; PubMed 29655203.